The following is an entry in ClinVar:

ClinVar aggregate classification (germline): Likely pathogenic (1 of 4 stars; one submission).

Conditions:
Fanconi anemia (FA). Also called: Fanconi's anemia. Identifiers: Orphanet 84, MedGen C0015625, MeSH D005199, MONDO:0019391.

Submission:

Labcorp Genetics (formerly Invitae), Labcorp
Classification: Likely pathogenic for Fanconi anemia. Last evaluated: 2022-07-15. Review status: criteria provided, single submitter. Criteria: Invitae Variant Classification Sherloc (09022015). Collection method: clinical testing. Allele origin: germline.
Comment: This variant is not present in population databases (gnomAD no frequency). This variant has not been reported in the literature in individuals affected with SLX4-related conditions. This variant disrupts the SLX1 interaction domain, which has been shown to be critical for SLX1-SLX4 complexing, and therefore will affect their Holliday junction resolvase and 5'-flap endonuclease activities (PMID: 19596235, 19596236). While functional studies have not been performed to directly test the effect of this variant on SLX4 protein function, this suggests that disruption of this region of the protein is causative of disease. In summary, the currently available evidence indicates that the variant is pathogenic, but additional data are needed to prove that conclusively. Therefore, this variant has been classified as Likely Pathogenic. This sequence change creates a premature translational stop signal (p.Phe1724Leufs*33) in the SLX4 gene. While this is not anticipated to result in nonsense mediated decay, it is expected to disrupt the last 111 amino acid(s) of the SLX4 protein.

Literature cited by the submitters: PubMed 19596235; PubMed 19596236.

NM_032444.4(SLX4):c.5172del (p.Phe1724fs)

Gene: SLX4 (SLX4 structure-specific endonuclease subunit; minus strand). Cytogenetic location: 16p13.3.
Variant type: Deletion.
Coding change: c.5172del on transcript NM_032444.4 (MANE Select); coding-DNA position 5172, one base deleted (T; older notation c.5172delT).
Protein change: p.Phe1724fs; shifts the reading frame from phenylalanine 1724.
Molecular consequence: frameshift variant.
Genome position (GRCh38, 1-based): chr16:3,582,675, A deleted on the plus strand (T on the coding strand, the reverse complement: SLX4 is on the minus strand); the first of 3 consecutive A bases (chr16:3,582,675-3,582,677); deleting any one gives the same sequence. VCF-style (leftmost placement, unchanged base first): chr16-3582674-CA-C. GRCh37 (hg19) VCF-style: chr16-3632675-CA-C.
Other names: short protein forms F1724fs.
Identifiers: ClinVar variation 2017396 (VCV002017396.4), dbSNP rs2548206668, ClinGen allele CA2580091088.